The following is an entry in ClinVar:

ClinVar aggregate classification (germline): Conflicting classifications of pathogenicity. Review status: criteria provided, conflicting classifications (1 of 4 stars). 6 submissions from 6 submitters: Likely pathogenic (4); Uncertain significance (2). Last evaluated 2026-09-25.

Conditions:
Neurodevelopmental disorder. Identifiers: MedGen C1535926, MeSH D065886, MONDO:0700092.
BRAT1-related disorder. Also called: BRAT1-related condition; BRAT1-related disorders.
Inborn genetic diseases. Identifiers: MedGen C0950123, MeSH D030342.
Neonatal-onset encephalopathy with rigidity and seizures. Also called: Lethal neonatal spasticity-epileptic encephalopathy syndrome. Identifiers: Orphanet 435845, MedGen C3281029, MONDO:0013784, OMIM 614498.

Allele frequency attached by ClinVar (database versions not stated): TOPMed 0.00005; gnomAD exomes 0.00019; ExAC 0.00071; gnomAD 0.00006 and 0.00005; ESP Exome Variant Server 0.00015.

Submissions (7):

GeneDx
Classification: Likely pathogenic. Last evaluated: 2026-09-25. Review status: criteria provided, single submitter. Criteria: GeneDx Variant Classification Process June 2021. Collection method: clinical testing. Allele origin: germline.
Comment: Reported previously as a single heterozygous variant in an individual with epilepsy in published literature (PMID: 31440721); Canonical splice site variant predicted to result in a null allele in a gene for which loss of function is a known mechanism of disease; This variant is associated with the following publications: (PMID: 31440721)

Labcorp Genetics (formerly Invitae), Labcorp
Classification: Likely pathogenic for Neonatal-onset encephalopathy with rigidity and seizures. Last evaluated: 2025-08-13. Review status: criteria provided, single submitter. Criteria: Invitae Variant Classification Sherloc (09022015). Collection method: clinical testing. Allele origin: germline.
Comment: This sequence change affects an acceptor splice site in intron 3 of the BRAT1 gene. It is expected to disrupt RNA splicing. Variants that disrupt the donor or acceptor splice site typically lead to a loss of protein function (PMID: 16199547), and loss-of-function variants in BRAT1 are known to be pathogenic (PMID: 22279524, 25500575). This variant is present in population databases (rs147005619, gnomAD 0.05%). Disruption of this splice site has been observed in individual(s) with epilepsy (PMID: 31440721). ClinVar contains an entry for this variant (Variation ID: 650471). Algorithms developed to predict the effect of sequence changes on RNA splicing suggest that this variant may disrupt the consensus splice site. In summary, the currently available evidence indicates that the variant is pathogenic, but additional data are needed to prove that conclusively. Therefore, this variant has been classified as Likely Pathogenic.

PreventionGenetics, part of Exact Sciences
Classification: Likely pathogenic for BRAT1-related condition. Last evaluated: 2024-10-05. Review status: criteria provided, single submitter. Criteria: ACMG Guidelines, 2015. Collection method: clinical testing. Allele origin: germline.
Comment: The BRAT1 c.283-2A>T variant is predicted to disrupt the AG splice acceptor site and interfere with normal splicing. This variant has been reported in heterozygous state in an individual with epilepsy; however, detailed clinical information was not provided (Supplementary Table 2, Truty et al. 2019. PubMed ID: 31440721). This variant is reported in 0.048% of alleles in individuals of European (Finnish) descent in gnomAD. Variants that disrupt the consensus splice acceptor site in BRAT1 are expected to be pathogenic. This variant is interpreted as likely pathogenic.

Blueprint Genetics
Classification: Uncertain significance. Last evaluated: 2024-06-12. Review status: criteria provided, single submitter. Criteria: ACMG Guidelines, 2015. Collection method: clinical testing. Allele origin: germline.

Victorian Clinical Genetics Services, Murdoch Childrens Research Institute
Classification: Uncertain significance for Neurodevelopmental disorder. Last evaluated: 2022-02-02. Review status: criteria provided, single submitter. Criteria: ACMG Guidelines, 2015. Collection method: clinical testing. Allele origin: germline. Inheritance: Autosomal recessive inheritance. Affected: yes.
Comment: Based on the classification scheme VCGS_Germline_v1.3.4, this variant is classified as VUS-3A. Following criteria are met: 0102 - Loss of function is a known mechanism of disease in this gene and is associated with BRAT1-related neurodevelopmental disorder. (I) 0106 - This gene is associated with autosomal recessive disease. (I) 0211 - Canonical splice site variant without proven consequence on splicing (no functional evidence available). (SP) 0251 - This variant is heterozygous. (I) 0304 - Variant is present in gnomAD (v2) <0.01 for a recessive condition (25 heterozygotes, 0 homozygotes). (SP) 0311 - An alternative nucleotide change at the same canonical splice region, is present in gnomAD (v3) (1 heterozygote, 0 homozygotes). (I) 0505 - Abnormal splicing is predicted by in silico tools and affected nucleotide is highly conserved. (SP) 0705 - No comparable canonical splice variants have previous evidence for pathogenicity. (I) 0808 - Previous reports of pathogenicity for this variant are conflicting. This variant has been reported as likely pathogenic (ClinVar) and as a VUS (LOVD). (I) 0905 - No published segregation evidence has been identified for this variant. (I) 1007 - No published functional evidence has been identified for this variant. (I) Legend: (SP) - Supporting pathogenic, (I) - Information, (SB) - Supporting benign

Ambry Genetics
Classification: Likely pathogenic for Inborn genetic diseases. Last evaluated: 2021-01-06. Review status: criteria provided, single submitter. Criteria: Ambry Variant Classification Scheme 2023. Collection method: clinical testing. Allele origin: germline.
Comment: The c.283-2A>T intronic variant results from an A to T substitution two nucleotides before exon 4 (coding exon 3) of the BRAT1 gene. Alterations that disrupt the canonical splice site are expected to cause aberrant splicing, resulting in an abnormal protein or a transcript that is subject to nonsense-mediated mRNA decay. This nucleotide position is highly conserved in available vertebrate species. In silico splice site analysis predicts that this alteration will weaken the native splice acceptor site. Based on the available evidence, this alteration is classified as likely pathogenic.

Dr. Peter K. Rogan Lab, Western University
No classification provided (evidence only). Condition: Familial cancer of breast. Review status: no classification provided. Collection method: in vitro. Allele origin: not applicable. Functional consequence: cryptic splice site. Not counted in ClinVar's aggregate classification.

Literature cited by the submitters: PubMed 16199547 (cited by Labcorp Genetics (formerly Invitae), Labcorp); PubMed 22279524 (cited by Labcorp Genetics (formerly Invitae), Labcorp); PubMed 25500575 (cited by Labcorp Genetics (formerly Invitae), Labcorp); PubMed 31440721 (cited by Labcorp Genetics (formerly Invitae), Labcorp).

NM_152743.4(BRAT1):c.283-2A>T

Gene: BRAT1 (BRCA1 associated ATM activator 1; minus strand). Cytogenetic location: 7p22.3.
Variant type: single nucleotide variant.
Coding change: c.283-2A>T on transcript NM_152743.4 (MANE Select); the canonical splice acceptor site of the intron before coding-DNA position 283, A replaced by T.
Molecular consequence: splice acceptor variant. On other transcripts: intron variant (1).
Genome position (GRCh38, 1-based): chr7:2,545,058, T>A on the plus strand (A>T on the coding strand, the complement: BRAT1 is on the minus strand). VCF-style: chr7-2545058-T-A. GRCh37 (hg19) VCF-style: chr7-2584692-T-A.
Other names: c.-95-1096A>T (NM_001350627.2); c.283-2A>T (NM_001350626.2).
Identifiers: ClinVar variation 650471 (VCV000650471.18), dbSNP rs147005619, ClinGen allele CA4128249.